The following is an entry in ClinVar:

NM_015295.3(SMCHD1):c.162G>T (p.Ala54=)

Gene: SMCHD1 (structural maintenance of chromosomes flexible hinge domain containing 1; plus strand). Cytogenetic location: 18p11.32.
Variant type: single nucleotide variant.
Coding change: c.162G>T on transcript NM_015295.3 (MANE Select); coding-DNA position 162, G replaced by T.
Protein change: p.Ala54=; no amino-acid change (alanine 54 retained).
Molecular consequence: synonymous variant.
Genome position (GRCh38, 1-based): chr18:2,656,237, G>T. VCF-style: chr18-2656237-G-T. GRCh37 (hg19) VCF-style: chr18-2656236-G-T.
Other names: c.162G>T (NM_015295.2).
Identifiers: ClinVar variation 288796 (VCV000288796.15), dbSNP rs766395572, ClinGen allele CA8870471.

ClinVar aggregate classification (germline): Conflicting classifications of pathogenicity. Review status: criteria provided, conflicting classifications (1 of 4 stars). 4 submissions from 4 submitters: Uncertain significance (1); Likely benign (2). 1 of the submissions does not count toward it. Last evaluated 2024-06-03.

Conditions:
SMCHD1-related disorder. Also called: SMCHD1-related condition.
Facioscapulohumeral muscular dystrophy 2 (FSHD2). Also called: MUSCULAR DYSTROPHY, FACIOSCAPULOHUMERAL, TYPE 1B; FACIOSCAPULOHUMERAL MUSCULAR DYSTROPHY 2, DIGENIC; FSHD2, DIGENIC. Identifiers: Orphanet 269, MedGen C1834671, MONDO:0008031, OMIM 158901.

Allele frequency attached by ClinVar (database versions not stated): TOPMed 0.00002.
gnomAD v4.1: 44 of 1,502,724 alleles (0.0029%); highest among the groups gnomAD compares: Admixed American, 0.0055%; no homozygotes.

Submissions (4):

Labcorp Genetics (formerly Invitae), Labcorp
Classification: Likely benign for Facioscapulohumeral muscular dystrophy 2. Last evaluated: 2024-06-03. Review status: criteria provided, single submitter. Criteria: Invitae Variant Classification Sherloc (09022015). Collection method: clinical testing. Allele origin: germline.

Blueprint Genetics
Classification: Likely benign. Last evaluated: 2022-11-03. Review status: criteria provided, single submitter. Criteria: ACMG Guidelines, 2015. Collection method: clinical testing. Allele origin: germline.

Eurofins Ntd Llc (ga)
Classification: Uncertain significance. Last evaluated: 2016-07-14. Review status: criteria provided, single submitter. Criteria: EGL Classification Definitions 2015. Collection method: clinical testing. Allele origin: germline. Observed: 1 variant allele, 1 heterozygote.

PreventionGenetics, part of Exact Sciences
Classification: Likely benign for SMCHD1-related condition. Last evaluated: 2022-03-23. Review status: no assertion criteria provided. Collection method: clinical testing. Allele origin: germline. Not counted in ClinVar's aggregate classification.
Comment: This variant is classified as likely benign based on ACMG/AMP sequence variant interpretation guidelines (Richards et al. 2015 PMID: 25741868, with internal and published modifications).